The following is an entry in ClinVar:

ClinVar aggregate classification (germline): Conflicting classifications of pathogenicity. Review status: criteria provided, conflicting classifications (1 of 4 stars). 3 submissions from 3 submitters: Uncertain significance (2); Likely benign (1). Last evaluated 2024-09-05.

Conditions:
Familial acute necrotizing encephalopathy (IIAE3). Also called: Susceptibility to Acute Necrotizing Encephalopathy 1; ENCEPHALOPATHY, ACUTE, INFECTION-INDUCED, SUSCEPTIBILITY TO, 3. Identifiers: Orphanet 88619, MedGen C2675556, MONDO:0011953, OMIM 608033.

Allele frequency attached by ClinVar (database versions not stated): gnomAD 0.00005 and 0.00006; ESP Exome Variant Server 0.00008; gnomAD exomes 0.00008; TOPMed 0.00008; ExAC 0.00012.
gnomAD v4.1: 137 of 1,613,836 alleles (0.0085%); highest among the groups gnomAD compares: Middle Eastern, 0.21%; 1 homozygote.

Submissions (3):

Blueprint Genetics
Classification: Likely benign. Last evaluated: 2024-09-05. Review status: criteria provided, single submitter. Criteria: ACMG Guidelines, 2015. Collection method: clinical testing. Allele origin: germline.

Labcorp Genetics (formerly Invitae), Labcorp
Classification: Uncertain significance for Familial acute necrotizing encephalopathy. Last evaluated: 2022-08-22. Review status: criteria provided, single submitter. Criteria: Invitae Variant Classification Sherloc (09022015). Collection method: clinical testing. Allele origin: germline.
Comment: This variant is present in population databases (rs375070272, gnomAD 0.02%). In summary, the available evidence is currently insufficient to determine the role of this variant in disease. Therefore, it has been classified as a Variant of Uncertain Significance. Algorithms developed to predict the effect of missense changes on protein structure and function are either unavailable or do not agree on the potential impact of this missense change (SIFT: "Deleterious"; PolyPhen-2: "Probably Damaging"; Align-GVGD: "Class C15"). ClinVar contains an entry for this variant (Variation ID: 537201). This variant has not been reported in the literature in individuals affected with RANBP2-related conditions. This sequence change replaces glutamine, which is neutral and polar, with histidine, which is basic and polar, at codon 1439 of the RANBP2 protein (p.Gln1439His).

Ambry Genetics
Classification: Uncertain significance. Last evaluated: 2021-09-16. Review status: criteria provided, single submitter. Criteria: Ambry Variant Classification Scheme 2023. Collection method: clinical testing. Allele origin: germline.

NM_006267.5(RANBP2):c.4317G>C (p.Gln1439His)

Gene: RANBP2 (RAN binding protein 2; plus strand). Cytogenetic location: 2q13.
Variant type: single nucleotide variant.
Coding change: c.4317G>C on transcript NM_006267.5 (MANE Select); coding-DNA position 4317, G replaced by C.
Protein change: p.Gln1439His; replaces glutamine 1439 with histidine.
Molecular consequence: missense variant.
Genome position (GRCh38, 1-based): chr2:108,764,856, G>C. VCF-style: chr2-108764856-G-C. GRCh37 (hg19) VCF-style: chr2-109381312-G-C.
Other names: short protein forms Q1439H.
Identifiers: ClinVar variation 537201 (VCV000537201.13), dbSNP rs375070272, ClinGen allele CA1823091.